The following is an entry in ClinVar:

NM_001042492.3(NF1):c.8061T>C (p.Ser2687=)

Gene: NF1 (neurofibromin 1; plus strand). Cytogenetic location: 17q11.2.
Variant type: single nucleotide variant.
Coding change: c.8061T>C on transcript NM_001042492.3 (MANE Select); coding-DNA position 8061, T replaced by C.
Protein change: p.Ser2687=; no amino-acid change (serine 2687 retained).
Molecular consequence: synonymous variant.
Genome position (GRCh38, 1-based): chr17:31,358,570, T>C. VCF-style: chr17-31358570-T-C. GRCh37 (hg19) VCF-style: chr17-29685588-T-C.
Other names: c.7998T>C, p.Ser2666= (NM_000267.4).
Identifiers: ClinVar variation 186419 (VCV000186419.12), dbSNP rs786202936, ClinGen allele CA194766.

ClinVar aggregate classification (germline): Benign/Likely benign. Review status: criteria provided, multiple submitters, no conflicts (2 of 4 stars). 5 submissions from 5 submitters: Benign (2); Likely benign (3). Last evaluated 2026-05-22.

Conditions:
Hereditary cancer-predisposing syndrome. Also called: Tumor predisposition; Hereditary neoplastic syndrome; Neoplastic Syndromes, Hereditary; Hereditary Cancer Syndrome. Identifiers: Orphanet 140162, MedGen C0027672, MeSH D009386, MONDO:0015356.
Neurofibromatosis, type 1 (NF1). Also called: Neurofibromatosis, type I; NEUROFIBROMATOSIS, TYPE I, SOMATIC; VON RECKLINGHAUSEN DISEASE; Peripheral type neurofibromatosis. Identifiers: Orphanet 636, MedGen C0027831, MONDO:0018975, OMIM 162200. Disease mechanism: loss of function.

Allele frequency attached by ClinVar (database versions not stated): gnomAD exomes below 0.00001; TOPMed below 0.00001.
gnomAD v4.1: 2 of 1,613,940 alleles (0.00012%); highest among the groups gnomAD compares: Admixed American, 0.0033%; no homozygotes.

Submissions (5):

Myriad Genetics, Inc.
Classification: Benign for Neurofibromatosis, type 1. Last evaluated: 2026-05-22. Review status: criteria provided, single submitter. Criteria: Myriad Autosomal Dominant, Autosomal Recessive and X-Linked Classification Criteria (2023). Collection method: clinical testing. Allele origin: unknown.
Comment: This variant is considered benign. This variant is a silent/synonymous amino acid change and it is not expected to impact splicing.

Labcorp Genetics (formerly Invitae), Labcorp
Classification: Benign for Neurofibromatosis, type 1. Last evaluated: 2025-10-14. Review status: criteria provided, single submitter. Criteria: Invitae Variant Classification Sherloc (09022015). Collection method: clinical testing. Allele origin: germline.

Quest Diagnostics Nichols Institute San Juan Capistrano
Classification: Likely benign. Last evaluated: 2024-12-12. Review status: criteria provided, single submitter. Criteria: Quest Diagnostics criteria. Collection method: clinical testing. Allele origin: unknown.

Genome-Nilou Lab
Classification: Likely benign for Neurofibromatosis, type 1. Last evaluated: 2022-03-15. Review status: criteria provided, single submitter. Criteria: ACMG Guidelines, 2015. Collection method: clinical testing. Allele origin: germline. Affected: no.

Ambry Genetics
Classification: Likely benign for Hereditary cancer-predisposing syndrome. Last evaluated: 2014-10-05. Review status: criteria provided, single submitter. Criteria: Ambry Autosomal Dominant and X-Linked criteria (10/2015). Collection method: clinical testing. Allele origin: germline. Observed: 1 variant allele.